The following is an entry in ClinVar:

NM_000051.4(ATM):c.5325A>C (p.Leu1775Phe)

Gene: ATM (ATM serine/threonine kinase; plus strand). Cytogenetic location: 11q22.3.
Variant type: single nucleotide variant.
Coding change: c.5325A>C on transcript NM_000051.4 (MANE Select); coding-DNA position 5325, A replaced by C.
Protein change: p.Leu1775Phe; replaces leucine 1775 with phenylalanine.
Molecular consequence: missense variant.
Genome position (GRCh38, 1-based): chr11:108,302,858, A>C. VCF-style: chr11-108302858-A-C. GRCh37 (hg19) VCF-style: chr11-108173585-A-C.
Other names: c.5325A>C, p.Leu1775Phe (NM_001351834.2); short protein forms L1775F.
Identifiers: ClinVar variation 924725 (VCV000924725.4), dbSNP rs2083496679, ClinGen allele CA382543023.

ClinVar aggregate classification (germline): Uncertain significance (1 of 4 stars; one submission).

Conditions:
Hereditary cancer-predisposing syndrome. Also called: Neoplastic Syndromes, Hereditary; Tumor predisposition; Hereditary Cancer Syndrome; Hereditary neoplastic syndrome. Identifiers: Orphanet 140162, MedGen C0027672, MeSH D009386, MONDO:0015356.

Submission:

Color Diagnostics, LLC DBA Color Health
Classification: Uncertain significance for Hereditary cancer-predisposing syndrome. Last evaluated: 2023-12-05. Review status: criteria provided, single submitter. Criteria: ACMG Guidelines, 2015. Collection method: clinical testing. Allele origin: germline.
Comment: This missense variant replaces leucine with phenylalanine at codon 1775 of the ATM protein. Computational prediction suggests that this variant may not impact protein structure and function (internally defined REVEL score threshold <= 0.5, PMID: 27666373). To our knowledge, functional studies have not been reported for this variant. This variant has not been reported in individuals affected with ATM-related disorders in the literature. This variant has not been identified in the general population by the Genome Aggregation Database (gnomAD). The available evidence is insufficient to determine the role of this variant in disease conclusively. Therefore, this variant is classified as a Variant of Uncertain Significance.